The following is an entry in ClinVar:

ClinVar aggregate classification (germline): Uncertain significance (1 of 4 stars; one submission).

Submission:

Laboratory for Molecular Medicine, Mass General Brigham Personalized Medicine
Classification: Uncertain significance. Last evaluated: 2014-03-04. Review status: criteria provided, single submitter. Criteria: LMM Criteria. Collection method: clinical testing. Allele origin: germline. Observed: 1 variant allele.
Comment: The Gln973Leu variant in SOS1 has not been reported in individuals with clinical features of Noonan syndrome or in large population studies. Computational predi ction tools and conservation analysis do not provide strong support for or again st an impact to the protein. In summary, additional information is needed to ful ly assess the clinical significance of the Gln973Leu variant.

NM_005633.4(SOS1):c.2918A>T (p.Gln973Leu)

Gene: SOS1 (SOS Ras/Rac guanine nucleotide exchange factor 1; minus strand). Cytogenetic location: 2p22.1.
Variant type: single nucleotide variant.
Coding change: c.2918A>T on transcript NM_005633.4 (MANE Select); coding-DNA position 2918, A replaced by T.
Protein change: p.Gln973Leu; replaces glutamine 973 with leucine.
Molecular consequence: missense variant.
Genome position (GRCh38, 1-based): chr2:38,997,299, T>A on the plus strand (A>T on the coding strand, the complement: SOS1 is on the minus strand). VCF-style: chr2-38997299-T-A. GRCh37 (hg19) VCF-style: chr2-39224440-T-A.
Other names: c.2897A>T, p.Gln966Leu (NM_001382394.1); c.2918A>T, p.Gln973Leu (NM_001382395.1); short protein forms Q973L, Q966L.
Identifiers: ClinVar variation 179645 (VCV000179645.5), dbSNP rs727505016, ClinGen allele CA184832.